The following is an entry in ClinVar:

ClinVar aggregate classification (germline): Uncertain significance. Review status: criteria provided, multiple submitters, no conflicts (2 of 4 stars). 3 submissions from 3 submitters: Uncertain significance (3). Last evaluated 2026-02-27.

Conditions:
Nephronophthisis 15 (NPHP15). Identifiers: Orphanet 3156, MedGen C3541853, MONDO:0013917, OMIM 614845.

Allele frequency attached by ClinVar (database versions not stated): gnomAD exomes 0.00001; ExAC 0.00002; gnomAD 0.00002; ESP Exome Variant Server 0.00008.
gnomAD v4.1: 26 of 1,613,778 alleles (0.0016%); highest among the groups gnomAD compares: South Asian, 0.0088%; 1 homozygote.

Submissions (3):

Women's Health and Genetics/Laboratory Corporation of America, LabCorp
Classification: Uncertain significance. Last evaluated: 2026-02-27. Review status: criteria provided, single submitter. Criteria: LabCorp Variant Classification Summary - May 2015. Collection method: clinical testing. Allele origin: germline.
Comment: Variant summary: CEP164 c.4052C>T (p.Thr1351Met) results in a non-conservative amino acid change in the encoded protein sequence. Algorithms developed to predict the effect of missense changes on protein structure and function are either unavailable or do not agree on the potential impact of this missense change. The variant allele was found at a frequency of 2e-05 in 249250 control chromosomes. The available data on variant occurrences in the general population are insufficient to allow any conclusion about variant significance. c.4052C>T has been observed in individual affected with Developmental disorder (Turner_2019). These report(s) do not provide unequivocal conclusions about association of the variant with Nephronophthisis 15. To our knowledge, no experimental evidence demonstrating an impact on protein function has been reported. The following publication has been ascertained in the context of this evaluation (PMID: 31785789). ClinVar contains an entry for this variant (Variation ID: 2045034). Based on the evidence outlined above, the variant was classified as uncertain significance.

Labcorp Genetics (formerly Invitae), Labcorp
Classification: Uncertain significance for Nephronophthisis 15. Last evaluated: 2025-10-13. Review status: criteria provided, single submitter. Criteria: Invitae Variant Classification Sherloc (09022015). Collection method: clinical testing. Allele origin: germline.
Comment: This sequence change replaces threonine, which is neutral and polar, with methionine, which is neutral and non-polar, at codon 1351 of the CEP164 protein (p.Thr1351Met). This variant is present in population databases (rs199830715, gnomAD 0.007%). This missense change has been observed in individual(s) with clinical features of CEP164-related conditions (PMID: 31785789). ClinVar contains an entry for this variant (Variation ID: 2045034). Invitae Evidence Modeling of protein sequence and biophysical properties (such as structural, functional, and spatial information, amino acid conservation, physicochemical variation, residue mobility, and thermodynamic stability) indicates that this missense variant is not expected to disrupt CEP164 protein function with a negative predictive value of 80%. In summary, the available evidence is currently insufficient to determine the role of this variant in disease. Therefore, it has been classified as a Variant of Uncertain Significance.

Fulgent Genetics
Classification: Uncertain significance for Nephronophthisis 15. Last evaluated: 2024-03-23. Review status: criteria provided, single submitter. Criteria: ACMG Guidelines, 2015. Collection method: clinical testing. Allele origin: germline.

Literature cited by the submitters: PubMed 31785789 (cited by Women's Health and Genetics/Laboratory Corporation of America, LabCorp and Labcorp Genetics (formerly Invitae), Labcorp).

NM_014956.5(CEP164):c.4052C>T (p.Thr1351Met)

Gene: CEP164 (centrosomal protein 164; plus strand). Cytogenetic location: 11q23.3.
Variant type: single nucleotide variant.
Coding change: c.4052C>T on transcript NM_014956.5 (MANE Select); coding-DNA position 4052, C replaced by T.
Protein change: p.Thr1351Met; replaces threonine 1351 with methionine.
Molecular consequence: missense variant.
Genome position (GRCh38, 1-based): chr11:117,409,921, C>T. VCF-style: chr11-117409921-C-T. GRCh37 (hg19) VCF-style: chr11-117280637-C-T.
Other names: c.4037C>T, p.Thr1346Met (NM_001271933.2); short protein forms T1351M, T1346M.
Identifiers: ClinVar variation 2045034 (VCV002045034.5), dbSNP rs199830715, ClinGen allele CA6295654.
Genomic context (GRCh38, chr11:117,409,921, plus strand): 5'-CCACCCAATGGGCCTGGGATTCAGGGCAGGGGCCCAGGCTCCCCTCCTCTGTGGCTCAAA[C>T]GGTGGACGACTTCCTGTTGGAGAAGTGGCGCAAGTATTTTCCATGTAAGCCCCACTCTGG-3'
Protein context (NP_055771.4, residues 1341-1361): GPRLPSSVAQ[Thr1351Met]VDDFLLEKWR